The following is an entry in ClinVar:

ClinVar aggregate classification (germline): Uncertain significance (1 of 4 stars; one submission).

Conditions:
Multiple gastrointestinal atresias. Also called: FAMILIAL INTESTINAL POLYATRESIA SYNDROME; Multiple intestinal atresia. Identifiers: Orphanet 2300, MedGen C0220744, MONDO:0009465.

Allele frequency attached by ClinVar (database versions not stated): TOPMed below 0.00001; gnomAD exomes below 0.00001 and 0.00001; gnomAD 0.00001.
gnomAD v4.1: 4 of 1,551,682 alleles (0.00026%); highest among the groups gnomAD compares: Admixed American, 0.002%; no homozygotes.

Submission:

Labcorp Genetics (formerly Invitae), Labcorp
Classification: Uncertain significance for Multiple gastrointestinal atresias. Last evaluated: 2022-10-24. Review status: criteria provided, single submitter. Criteria: Invitae Variant Classification Sherloc (09022015). Collection method: clinical testing. Allele origin: germline.
Comment: In summary, the available evidence is currently insufficient to determine the role of this variant in disease. Therefore, it has been classified as a Variant of Uncertain Significance. Algorithms developed to predict the effect of missense changes on protein structure and function (SIFT, PolyPhen-2, Align-GVGD) all suggest that this variant is likely to be tolerated. ClinVar contains an entry for this variant (Variation ID: 1403869). This variant has not been reported in the literature in individuals affected with TTC7A-related conditions. This variant is present in population databases (no rsID available, gnomAD 0.004%). This sequence change replaces proline, which is neutral and non-polar, with alanine, which is neutral and non-polar, at codon 42 of the TTC7A protein (p.Pro42Ala).

NM_020458.4(TTC7A):c.124C>G (p.Pro42Ala)

Genes: MCFD2 (multiple coagulation factor deficiency 2, ER cargo receptor complex subunit; minus strand), TTC7A (tetratricopeptide repeat domain 7A; plus strand). Cytogenetic location: 2p21.
Variant type: single nucleotide variant.
Coding change: c.124C>G on transcript NM_020458.4 (MANE Select); coding-DNA position 124, C replaced by G.
Protein change: p.Pro42Ala; replaces proline 42 with alanine.
Molecular consequence: missense variant. On other transcripts: 5 prime UTR variant (3), intron variant (1).
Genome position (GRCh38, 1-based): chr2:46,941,665, C>G. VCF-style: chr2-46941665-C-G. GRCh37 (hg19) VCF-style: chr2-47168804-C-G.
Other names: c.-781C>G (NM_001288955.2); c.-100G>C (NM_001171508.2); c.-2G>C (NM_001171511.3); c.83-8698C>G (NM_001288953.2); c.124C>G, p.Pro42Ala (NM_001288951.2); short protein forms P42A.
Identifiers: ClinVar variation 1403869 (VCV001403869.8), dbSNP rs865919847, ClinGen allele CA346715783.